The following is an entry in ClinVar:

NM_016529.6(ATP8A2):c.1268A>T (p.Lys423Ile)

Gene: ATP8A2 (ATPase phospholipid transporting 8A2). Cytogenetic location: 13q12.13.
Variant type: single nucleotide variant.
Coding change: c.1268A>T on transcript NM_016529.6 (MANE Select); coding-DNA position 1268, A replaced by T.
Protein change: p.Lys423Ile; replaces lysine 423 with isoleucine.
Molecular consequence: missense variant.
Genome position (GRCh38, 1-based): chr13:25,558,977, A>T. VCF-style: chr13-25558977-A-T. GRCh37 (hg19) VCF-style: chr13-26133115-A-T.
Other names: c.1148A>T, p.Lys383Ile (NM_001313741.1); c.1268A>T, p.Lys423Ile (NM_001411005.1, NM_001411006.1); short protein forms K383I, K423I.
Identifiers: ClinVar variation 3894540 (VCV003894540.2).

ClinVar aggregate classification (germline): Conflicting classifications of pathogenicity. Review status: criteria provided, conflicting classifications (1 of 4 stars). 2 submissions from 2 submitters: Likely pathogenic (1); Uncertain significance (1). Last evaluated 2025-06-03.

Conditions:
Cerebellar ataxia, impaired intellectual development, and dysequilibrium syndrome 4. Also called: CEREBELLAR ATAXIA AND MENTAL RETARDATION WITH OR WITHOUT QUADRUPEDAL LOCOMOTION 4; Cerebellar ataxia, mental retardation, and dysequilibrium syndrome 4; Cerebellar ataxia, intellectual disability, and dysequilibrium syndrome 4. Identifiers: Orphanet 1766, MedGen C3808977, MONDO:0014104, OMIM 615268.

Submissions (2):

Institute of Human Genetics, University of Leipzig Medical Center
Classification: Likely pathogenic for Cerebellar ataxia, impaired intellectual development, and dysequilibrium syndrome 4. Last evaluated: 2025-06-03. Review status: criteria provided, single submitter. Criteria: ACMG Guidelines, 2015. Collection method: clinical testing. Allele origin: unknown. Inheritance: Autosomal recessive inheritance. Affected: yes.
Comment: Criteria applied: PM2,PM3,PP3,PP4

MVZ Medizinische Genetik Mainz
Classification: Uncertain significance for Cerebellar ataxia, impaired intellectual development, and dysequilibrium syndrome 4. Last evaluated: 2025-03-24. Review status: criteria provided, single submitter. Criteria: UK Practice Guidelines For Variant Classification V4 01 2020. Collection method: clinical testing. Allele origin: germline. Inheritance: Autosomal recessive inheritance. Affected: yes. Observed: 1 variant allele.
Comment: ACMG Criteria: PP3_MOD,PM2_SUP